The following is an entry in ClinVar:

NM_001035.3(RYR2):c.14181T>A (p.Thr4727=)

Gene: RYR2 (ryanodine receptor 2; plus strand). Cytogenetic location: 1q43.
Variant type: single nucleotide variant.
Coding change: c.14181T>A on transcript NM_001035.3 (MANE Select); coding-DNA position 14181, T replaced by A.
Protein change: p.Thr4727=; no amino-acid change (threonine 4727 retained).
Molecular consequence: synonymous variant.
Genome position (GRCh38, 1-based): chr1:237,806,166, T>A. VCF-style: chr1-237806166-T-A. GRCh37 (hg19) VCF-style: chr1-237969466-T-A.
Identifiers: ClinVar variation 2107689 (VCV002107689.6), dbSNP rs2528137084, ClinGen allele CA424051610.
Genomic context (GRCh38, chr1:237,806,166, plus strand): 5'-CATGTTCTTTCCCCCCGTTTTGTCTTAATAGTCCTTCCTCTACCTAGCCTGGTATATGAC[T>A]ATGTCTGTTCTTGGACACTATAACAACTTTTTTTTTGCCGCTCACCTTCTCGACATTGCT-3'
Protein context (NP_001026.2, residues 4717-4737): NSFLYLAWYM[Thr4727=]MSVLGHYNNF

ClinVar aggregate classification (germline): Likely benign. Review status: criteria provided, multiple submitters, no conflicts (2 of 4 stars). 3 submissions from 3 submitters: Likely benign (3). Last evaluated 2024-04-22.

Conditions:
Catecholaminergic polymorphic ventricular tachycardia (CVPT). Also called: Catecholamine-induced polymorphic ventricular tachycardia. Identifiers: Orphanet 3286, MedGen C5574922, MONDO:0017990.
Cardiomyopathy (CMYO). Also called: Cardiomyopathies. Identifiers: Orphanet 167848, MedGen C0878544, MONDO:0004994, HP:0001638. Inheritance: Various modes of inheritance.
Catecholaminergic polymorphic ventricular tachycardia 1. Also called: VENTRICULAR TACHYCARDIA, STRESS-INDUCED POLYMORPHIC 1; RYR2-Related Catecholaminergic Polymorphic Ventricular Tachycardia; VENTRICULAR TACHYCARDIA, CATECHOLAMINERGIC POLYMORPHIC, 1, WITH OR WITHOUT ATRIAL DYSFUNCTION AND/OR DILATED CARDIOMYOPATHY. Identifiers: Orphanet 3286, MedGen C1631597, MONDO:0011484, OMIM 604772.

Allele frequency attached by ClinVar (database versions not stated): gnomAD exomes below 0.00001.
gnomAD v4.1: 3 of 1,613,796 alleles (0.00019%); highest among the groups gnomAD compares: Non-Finnish European, 0.00025%; no homozygotes.

Submissions (3):

Labcorp Genetics (formerly Invitae), Labcorp
Classification: Likely benign for Catecholaminergic polymorphic ventricular tachycardia 1. Last evaluated: 2024-04-22. Review status: criteria provided, single submitter. Criteria: Invitae Variant Classification Sherloc (09022015). Collection method: clinical testing. Allele origin: germline.

All of Us Research Program, National Institutes of Health
Classification: Likely benign for Catecholaminergic polymorphic ventricular tachycardia. Last evaluated: 2023-12-13. Review status: criteria provided, single submitter. Criteria: ACMG Guidelines, 2015. Collection method: clinical testing. Allele origin: germline. Inheritance: Autosomal dominant inheritance. Observed: 1 variant allele, 1 heterozygote.
Comment: This study involves interpretation of variants in research participants for the purpose of population health screening. Participant phenotype was not available at the time of variant classification. Additional details can be found in publication PMID: 35346344, PMCID: PMC8962531

Color Diagnostics, LLC DBA Color Health
Classification: Likely benign for Cardiomyopathy. Last evaluated: 2022-11-06. Review status: criteria provided, single submitter. Criteria: ACMG Guidelines, 2015. Collection method: clinical testing. Allele origin: germline.